The following is an entry in ClinVar:

ClinVar aggregate classification (germline): Likely benign. Review status: criteria provided, multiple submitters, no conflicts (2 of 4 stars). 3 submissions from 3 submitters: Likely benign (2). 1 of the submissions does not count toward it. Last evaluated 2025-06-12.

Conditions:
LRP5-related disorder. Also called: LRP5-related condition.

Allele frequency attached by ClinVar (database versions not stated): gnomAD exomes 0.00002 and 0.00004; ExAC 0.00006; TOPMed 0.00007; gnomAD 0.00009 and 0.00010.
gnomAD v4.1: 36 of 1,613,810 alleles (0.0022%); highest among the groups gnomAD compares: African/African-American, 0.012%; no homozygotes.

Submissions (3):

Labcorp Genetics (formerly Invitae), Labcorp
Classification: Likely benign. Last evaluated: 2025-06-12. Review status: criteria provided, single submitter. Criteria: Invitae Variant Classification Sherloc (09022015). Collection method: clinical testing. Allele origin: germline.

Blueprint Genetics
Classification: Likely benign. Last evaluated: 2022-01-12. Review status: criteria provided, single submitter. Criteria: ACMG Guidelines, 2015. Collection method: clinical testing. Allele origin: germline.

PreventionGenetics, part of Exact Sciences
Classification: Likely benign for LRP5-related condition. Last evaluated: 2024-03-14. Review status: no assertion criteria provided. Collection method: clinical testing. Allele origin: germline. Not counted in ClinVar's aggregate classification.
Comment: This variant is classified as likely benign based on ACMG/AMP sequence variant interpretation guidelines (Richards et al. 2015 PMID: 25741868, with internal and published modifications).

NM_002335.4(LRP5):c.912C>T (p.Gly304=)

Gene: LRP5 (LDL receptor related protein 5; plus strand). Cytogenetic location: 11q13.2.
Variant type: single nucleotide variant.
Coding change: c.912C>T on transcript NM_002335.4 (MANE Select); coding-DNA position 912, C replaced by T.
Protein change: p.Gly304=; no amino-acid change (glycine 304 retained).
Molecular consequence: synonymous variant. On other transcripts: 5 prime UTR variant (1).
Genome position (GRCh38, 1-based): chr11:68,365,599, C>T. VCF-style: chr11-68365599-C-T. GRCh37 (hg19) VCF-style: chr11-68133067-C-T.
Other names: c.912C>T (NM_002335.3); c.-854C>T (NM_001291902.2).
Identifiers: ClinVar variation 1650494 (VCV001650494.10), dbSNP rs758466329, ClinGen allele CA6149162.